The following is an entry in ClinVar:

NM_001369.3(DNAH5):c.566_567insCTTATACACATCTG (p.Gln190fs)

Gene: DNAH5 (dynein axonemal heavy chain 5; minus strand). Cytogenetic location: 5p15.2.
Variant type: Insertion.
Coding change: c.566_567insCTTATACACATCTG on transcript NM_001369.3 (MANE Select); coding-DNA positions 566 to 567, CTTATACACATCTG inserted.
Protein change: p.Gln190fs; shifts the reading frame from glutamine 190.
Molecular consequence: frameshift variant.
Genome position: GRCh38 VCF-style: chr5-13922200-A-ACAGATGTGTATAAG. GRCh37 (hg19) VCF-style: chr5-13922309-A-ACAGATGTGTATAAG.
Other names: short protein forms Q190fs.
Identifiers: ClinVar variation 5011047 (VCV005011047.1).

ClinVar aggregate classification (germline): Pathogenic (1 of 4 stars; one submission).

Conditions:
Primary ciliary dyskinesia 3. Identifiers: Orphanet 244, MedGen C1837618, MONDO:0012085, OMIM 608644.

Submission:

Myriad Genetics, Inc.
Classification: Pathogenic for Primary ciliary dyskinesia 3. Last evaluated: 2024-05-14. Review status: criteria provided, single submitter. Criteria: Myriad Autosomal Dominant, Autosomal Recessive and X-Linked Classification Criteria (2023). Collection method: clinical testing. Allele origin: unknown.
Comment: NM_001369.2(DNAH5):c.566_567ins14(Q190Lfs*16) is expected to be pathogenic in the context of primary ciliary dyskinesia, DNAH5-related. This variant is predicted to lead to an abnormal or absent protein product due to the creation of a premature termination codon in DNAH5, a gene where loss-of-function variants are known to be pathogenic. Please note: this variant was assessed in the context of healthy population screening.